The following is an entry in ClinVar:

NM_025081.3(NYNRIN):c.210G>C (p.Lys70Asn)

Gene: NYNRIN (NYN domain and retroviral integrase containing; plus strand). Cytogenetic location: 14q12.
Variant type: single nucleotide variant.
Coding change: c.210G>C on transcript NM_025081.3 (MANE Select); coding-DNA position 210, G replaced by C.
Protein change: p.Lys70Asn; replaces lysine 70 with asparagine.
Molecular consequence: missense variant.
Genome position (GRCh38, 1-based): chr14:24,407,880, G>C. VCF-style: chr14-24407880-G-C. GRCh37 (hg19) VCF-style: chr14-24877086-G-C.
Other names: short protein forms K70N.
Identifiers: ClinVar variation 4804449 (VCV004804449.1).
Genomic context (GRCh38, chr14:24,407,880, plus strand): 5'-GCAGGCCCCCAACGGGCTGACTTCATTGTGTTCTCCCCATTGTGCCCAGGAATACCTGAA[G>C]GGCCTGTGCAGCCCAGAGCTGTGGAAAGAGGTTCGCTACCCACCGATCCTGCACTGTGCC-3'
Protein context (NP_079357.2, residues 60-80): ENMGKAKEYL[Lys70Asn]GLCSPELWKE

ClinVar aggregate classification (germline): Uncertain significance (1 of 4 stars; one submission).

Submission:

Labcorp Genetics (formerly Invitae), Labcorp
Classification: Uncertain significance. Last evaluated: 2025-11-23. Review status: criteria provided, single submitter. Criteria: Invitae Variant Classification Sherloc (09022015). Collection method: clinical testing. Allele origin: germline.
Comment: This sequence change replaces lysine, which is basic and polar, with asparagine, which is neutral and polar, at codon 70 of the NYNRIN protein (p.Lys70Asn). This variant is present in population databases (no rsID available, gnomAD 0.003%). This variant has not been reported in the literature in individuals affected with NYNRIN-related conditions. Experimental studies and prediction algorithms are not available or were not evaluated, and the functional significance of this variant is currently unknown. In summary, the available evidence is currently insufficient to determine the role of this variant in disease. Therefore, it has been classified as a Variant of Uncertain Significance.